The following is an entry in ClinVar:

NM_001232.4(CASQ2):c.61G>A (p.Glu21Lys)

Gene: CASQ2 (calsequestrin 2; minus strand). Cytogenetic location: 1p13.1.
Variant type: single nucleotide variant.
Coding change: c.61G>A on transcript NM_001232.4 (MANE Select); coding-DNA position 61, G replaced by A.
Protein change: p.Glu21Lys; replaces glutamic acid 21 with lysine.
Molecular consequence: missense variant.
Genome position (GRCh38, 1-based): chr1:115,768,481, C>T on the plus strand (G>A on the coding strand, the complement: CASQ2 is on the minus strand). VCF-style: chr1-115768481-C-T. GRCh37 (hg19) VCF-style: chr1-116311102-C-T.
Other names: short protein forms E21K.
Identifiers: ClinVar variation 2585687 (VCV002585687.2), dbSNP rs1397786003, ClinGen allele CA341767346.
Genomic context (GRCh38, chr1:115,768,481, plus strand): 5'-TCTTCTCGGAAAGACTTACCACTCGGTCCTTCCCATCATATGTGGGGAAATTAAGCCCCT[C>T]TTCTGCCCTGCAAGAGGACAGAAAATAAATCCCCACAATAAACAAGTGAGTTCTCTTCAT-3'
Protein context (NP_001223.2, residues 11-31): IYFLSSCRAE[Glu21Lys]GLNFPTYDGK

ClinVar aggregate classification (germline): Uncertain significance (1 of 4 stars; one submission).

Conditions:
Cardiovascular phenotype. Identifiers: MedGen CN230736.

Allele frequency attached by ClinVar (database versions not stated): gnomAD exomes below 0.00001; TOPMed below 0.00001.
gnomAD v4.1: 2 of 1,614,040 alleles (0.00012%); highest among the groups gnomAD compares: Non-Finnish European, 0.00017%; no homozygotes.

Submission:

Ambry Genetics
Classification: Uncertain significance for Cardiovascular phenotype. Last evaluated: 2023-07-21. Review status: criteria provided, single submitter. Criteria: Ambry Variant Classification Scheme 2023. Collection method: clinical testing. Allele origin: germline.
Comment: The p.E21K variant (also known as c.61G>A), located in coding exon 1 of the CASQ2 gene, results from a G to A substitution at nucleotide position 61. The glutamic acid at codon 21 is replaced by lysine, an amino acid with similar properties. This amino acid position is conserved. In addition, the in silico prediction for this alteration is inconclusive. Since supporting evidence is limited at this time, the clinical significance of this alteration remains unclear.